The following is an entry in ClinVar:

ClinVar aggregate classification (germline): Pathogenic (1 of 4 stars; one submission).

Conditions:
3-Oxo-5 alpha-steroid delta 4-dehydrogenase deficiency (PPSH). Also called: 46,XY disorder of sex development due to 5-alpha-reductase 2 deficiency; PSEUDOVAGINAL PERINEOSCROTAL HYPOSPADIAS; FAMILIAL INCOMPLETE MALE PSEUDOHERMAPHRODITISM, TYPE 2; MALE PSEUDOHERMAPHRODITISM DUE TO 5-ALPHA-REDUCTASE DEFICIENCY. Identifiers: Orphanet 753, MedGen C0268297, MONDO:0009923, OMIM 264600. Disease mechanism: loss of function.

gnomAD v4.1: 2 of 1,588,820 alleles (0.00013%); highest among the groups gnomAD compares: Non-Finnish European, 0.00017%; no homozygotes.

Submission:

Clinical Biochemistry Laboratory, Health Services Laboratory
Classification: Pathogenic for 3-Oxo-5 alpha-steroid delta 4-dehydrogenase deficiency. Last evaluated: 2023-11-20. Review status: criteria provided, single submitter. Criteria: ACMG Guidelines, 2015. Collection method: clinical testing. Allele origin: germline. Affected: yes.
Comment: ACMG:PVS1 PM2 PP4 PP5

NM_000348.4(SRD5A2):c.743C>A (p.Ala248Asp)

Gene: SRD5A2 (steroid 5 alpha-reductase 2; minus strand). Cytogenetic location: 2p23.1.
Variant type: single nucleotide variant.
Coding change: c.743C>A on transcript NM_000348.4 (MANE Select); coding-DNA position 743, C replaced by A.
Protein change: p.Ala248Asp; replaces alanine 248 with aspartic acid.
Molecular consequence: missense variant.
Genome position (GRCh38, 1-based): chr2:31,526,218, G>T on the plus strand (C>A on the coding strand, the complement: SRD5A2 is on the minus strand). VCF-style: chr2-31526218-G-T. GRCh37 (hg19) VCF-style: chr2-31751288-G-T.
Other names: short protein forms A248D.
Identifiers: ClinVar variation 2674681 (VCV002674681.1), dbSNP rs2465619349, ClinGen allele CA346597727.
Genomic context (GRCh38, chr2:31,526,218, plus strand): 5'-GCATTGTGGGAGCTCTGCTCCTTTTTAATTTGGTTCCTTTAAAAGATGAATGGAATAAGG[G>T]CTTTCCGAGATTTGGGGTAGTCCTCAAACATCTTGAGGTAGAACCTAAAAGACAAGAAAG-3'
Protein context (NP_000339.2, residues 238-254): MFEDYPKSRK[Ala248Asp]LIPFIF